The following is an entry in ClinVar:

ClinVar aggregate classification (germline): Uncertain significance (1 of 4 stars; one submission).

Allele frequency attached by ClinVar (database versions not stated): TOPMed below 0.00001.

Submission:

Labcorp Genetics (formerly Invitae), Labcorp
Classification: Uncertain significance. Last evaluated: 2022-03-23. Review status: criteria provided, single submitter. Criteria: Invitae Variant Classification Sherloc (09022015). Collection method: clinical testing. Allele origin: germline.
Comment: In summary, the available evidence is currently insufficient to determine the role of this variant in disease. Therefore, it has been classified as a Variant of Uncertain Significance. Algorithms developed to predict the effect of missense changes on protein structure and function (SIFT, PolyPhen-2, Align-GVGD) all suggest that this variant is likely to be disruptive. This variant has not been reported in the literature in individuals affected with CEP135-related conditions. This variant is not present in population databases (gnomAD no frequency). This sequence change replaces glutamine, which is neutral and polar, with arginine, which is basic and polar, at codon 684 of the CEP135 protein (p.Gln684Arg).

NM_025009.5(CEP135):c.2051A>G (p.Gln684Arg)

Gene: CEP135 (centrosomal protein 135; plus strand). Cytogenetic location: 4q12.
Variant type: single nucleotide variant.
Coding change: c.2051A>G on transcript NM_025009.5 (MANE Select); coding-DNA position 2051, A replaced by G.
Protein change: p.Gln684Arg; replaces glutamine 684 with arginine.
Molecular consequence: missense variant.
Genome position (GRCh38, 1-based): chr4:55,999,343, A>G. VCF-style: chr4-55999343-A-G. GRCh37 (hg19) VCF-style: chr4-56865509-A-G.
Other names: short protein forms Q684R.
Identifiers: ClinVar variation 2421934 (VCV002421934.6), dbSNP rs1730081985, ClinGen allele CA356960170.
Genomic context (GRCh38, chr4:55,999,343, plus strand): 5'-TTGTCCATTGATTCTTTAGGATAGTGAATGAGCAGCTACAGCGGTCAGTTGATGACTATC[A>G]GCACCGACTTTCCATAAAAAGAGGTGAACTTGAATCAGCCCAAGCACAAATTAAAATACT-3'
Protein context (NP_079285.2, residues 674-694): EQLQRSVDDY[Gln684Arg]HRLSIKRGEL